The following is an entry in ClinVar:

NM_018670.4(MESP1):c.45C>T (p.Leu15=)

Genes: MESP1 (mesoderm posterior bHLH transcription factor 1; minus strand), LOC130057889 (ATAC-STARR-seq lymphoblastoid silent region 6804; plus strand). Cytogenetic location: 15q26.1.
Variant type: single nucleotide variant.
Coding change: c.45C>T on transcript NM_018670.4 (MANE Select); coding-DNA position 45, C replaced by T.
Protein change: p.Leu15=; no amino-acid change (leucine 15 retained).
Molecular consequence: synonymous variant.
Genome position (GRCh38, 1-based): chr15:89,751,187, G>A on the plus strand (C>T on the coding strand, the complement: MESP1 is on the minus strand). VCF-style: chr15-89751187-G-A. GRCh37 (hg19) VCF-style: chr15-90294418-G-A.
Other names: c.45C>T (NM_018670.3).
Identifiers: ClinVar variation 1655893 (VCV001655893.12), dbSNP rs535670768, ClinGen allele CA7730323.
Genomic context (GRCh38, chr15:89,751,187, plus strand): 5'-GGAGCGGCCGCAGTCCTTGTCGGAGGGCGGCGGCCGCCGAGTTGGGCCCCAGGCCGCAGA[G>A]AGCATCCAGGACTCGGAGAGCGGCGGGCACAGGGGCTGGGCCATGGCAGCGGCGGCGCGT-3'
Protein context (NP_061140.1, residues 5-25): LCPPLSESWM[Leu15=]SAAWGPTRRP

ClinVar aggregate classification (germline): Benign/Likely benign. Review status: criteria provided, multiple submitters, no conflicts (2 of 4 stars). 4 submissions from 4 submitters: Benign (2); Likely benign (1). 1 of the submissions does not count toward it. Last evaluated 2026-09-01.

Conditions:
MESP1-related disorder. Also called: MESP1-related condition.

Allele frequency attached by ClinVar (database versions not stated): 1000 Genomes Project 0.00060; 1000 Genomes Project 30x 0.00062; gnomAD 0.00102 and 0.00107; TOPMed 0.00118; gnomAD exomes 0.00122 and 0.00082; ExAC 0.00215.
gnomAD v4.1: 1,533 of 1,268,594 alleles (0.12%); highest among the groups gnomAD compares: Non-Finnish European, 0.13%; 2 homozygotes.

Submissions (4):

CeGaT Center for Human Genetics Tuebingen
Classification: Likely benign. Last evaluated: 2026-09-01. Review status: criteria provided, single submitter. Criteria: CeGaT Center For Human Genetics Tuebingen Variant Classification Criteria Version 2. Collection method: clinical testing. Allele origin: germline. Affected: yes. Observed: 1 variant allele.
Comment: MESP1: BP4, BP7

Labcorp Genetics (formerly Invitae), Labcorp
Classification: Benign. Last evaluated: 2026-01-06. Review status: criteria provided, single submitter. Criteria: Invitae Variant Classification Sherloc (09022015). Collection method: clinical testing. Allele origin: germline.

Breakthrough Genomics
Classification: Benign. Review status: criteria provided, single submitter. Criteria: ACMG Guidelines, 2015. Collection method: not provided. Allele origin: germline. Inheritance: Unknown mechanism. Affected: yes.

PreventionGenetics, part of Exact Sciences
Classification: Benign for MESP1-related condition. Last evaluated: 2019-11-20. Review status: no assertion criteria provided. Collection method: clinical testing. Allele origin: germline. Not counted in ClinVar's aggregate classification.
Comment: This variant is classified as benign based on ACMG/AMP sequence variant interpretation guidelines (Richards et al. 2015 PMID: 25741868, with internal and published modifications).